The following is an entry in ClinVar:

NC_000015.10:g.84816881A>G

Gene: ALPK3 (alpha kinase 3; plus strand). Cytogenetic location: 15q25.3.
Variant type: single nucleotide variant.
Genome position: GRCh38 VCF-style: chr15-84816881-A-G. GRCh37 (hg19) VCF-style: chr15-85360112-A-G.
Identifiers: ClinVar variation 1713310 (VCV001713310.6), dbSNP rs2505687881, ClinGen allele CA393367902.

ClinVar aggregate classification (germline): Uncertain significance (1 of 4 stars; one submission).

Submission:

Labcorp Genetics (formerly Invitae), Labcorp
Classification: Uncertain significance. Last evaluated: 2022-07-22. Review status: criteria provided, single submitter. Criteria: Invitae Variant Classification Sherloc (09022015). Collection method: clinical testing. Allele origin: germline.
Comment: In summary, the available evidence is currently insufficient to determine the role of this variant in disease. Therefore, it has been classified as a Variant of Uncertain Significance. Algorithms developed to predict the effect of missense changes on protein structure and function output the following: SIFT: "Deleterious"; PolyPhen-2: "Benign"; Align-GVGD: "Class C0". The arginine amino acid residue is found in multiple mammalian species, which suggests that this missense change does not adversely affect protein function. This variant has not been reported in the literature in individuals affected with ALPK3-related conditions. This variant is not present in population databases (gnomAD no frequency). This sequence change replaces glutamine, which is neutral and polar, with arginine, which is basic and polar, at codon 12 of the ALPK3 protein (p.Gln12Arg).